The following is an entry in ClinVar:

ClinVar aggregate classification (germline): Uncertain significance (1 of 4 stars; one submission).

Submission:

GeneDx
Classification: Uncertain significance. Last evaluated: 2020-01-03. Review status: criteria provided, single submitter. Criteria: GeneDx Variant Classification Process June 2021. Collection method: clinical testing. Allele origin: germline. Affected: yes.
Comment: Has not been previously published as pathogenic or benign to our knowledge; Not observed in large population cohorts (Lek et al., 2016); In silico analysis, which includes protein predictors and evolutionary conservation, supports a deleterious effect

NM_004370.6(COL12A1):c.8678G>T (p.Gly2893Val)

Gene: COL12A1 (collagen type XII alpha 1 chain; minus strand). Cytogenetic location: 6q13.
Variant type: single nucleotide variant.
Coding change: c.8678G>T on transcript NM_004370.6 (MANE Select); coding-DNA position 8678, G replaced by T.
Protein change: p.Gly2893Val; replaces glycine 2893 with valine.
Molecular consequence: missense variant.
Genome position (GRCh38, 1-based): chr6:75,091,497, C>A on the plus strand (G>T on the coding strand, the complement: COL12A1 is on the minus strand). VCF-style: chr6-75091497-C-A. GRCh37 (hg19) VCF-style: chr6-75801213-C-A.
Other names: c.5186G>T, p.Gly1729Val (NM_080645.3); short protein forms G1729V, G2893V.
Identifiers: ClinVar variation 1316058 (VCV001316058.2), dbSNP rs2149328791, ClinGen allele CA364735940.